The following is an entry in ClinVar:

NM_006118.4(HAX1):c.296C>A (p.Thr99Asn)

Gene: HAX1 (HCLS1 associated protein X-1; plus strand). Cytogenetic location: 1q21.3.
Variant type: single nucleotide variant.
Coding change: c.296C>A on transcript NM_006118.4 (MANE Select); coding-DNA position 296, C replaced by A.
Protein change: p.Thr99Asn; replaces threonine 99 with asparagine.
Molecular consequence: missense variant.
Genome position (GRCh38, 1-based): chr1:154,273,578, C>A. VCF-style: chr1-154273578-C-A. GRCh37 (hg19) VCF-style: chr1-154246054-C-A.
Other names: c.152C>A, p.Thr51Asn (NM_001018837.2); short protein forms T51N, T99N.
Identifiers: ClinVar variation 3856896 (VCV003856896.1).

ClinVar aggregate classification (germline): Uncertain significance (1 of 4 stars; one submission).

Conditions:
Inborn genetic diseases. Identifiers: MedGen C0950123, MeSH D030342.

gnomAD v4.1: 1 of 1,614,138 alleles (0.000062%); no homozygotes.

Submission:

Ambry Genetics
Classification: Uncertain significance for Inborn genetic diseases. Last evaluated: 2025-02-22. Review status: criteria provided, single submitter. Criteria: Ambry Variant Classification Scheme 2023. Collection method: clinical testing. Allele origin: germline.
Comment: The p.T99N variant (also known as c.296C>A), located in coding exon 2 of the HAX1 gene, results from a C to A substitution at nucleotide position 296. The threonine at codon 99 is replaced by asparagine, an amino acid with similar properties. This amino acid position is conserved. In addition, this alteration is predicted to be tolerated by in silico analysis. Based on the available evidence, the clinical significance of this variant remains unclear.